The following is an entry in ClinVar:

NM_004360.5(CDH1):c.2216A>G (p.Glu739Gly)

Gene: CDH1 (cadherin 1; plus strand). Cytogenetic location: 16q22.1.
Variant type: single nucleotide variant.
Coding change: c.2216A>G on transcript NM_004360.5 (MANE Select); coding-DNA position 2216, A replaced by G.
Protein change: p.Glu739Gly; replaces glutamic acid 739 with glycine.
Molecular consequence: missense variant.
Genome position (GRCh38, 1-based): chr16:68,828,225, A>G. VCF-style: chr16-68828225-A-G. GRCh37 (hg19) VCF-style: chr16-68862128-A-G.
Other names: c.2216A>G (LRG_301t1); c.2033A>G, p.Glu678Gly (NM_001317184.2); c.668A>G, p.Glu223Gly (NM_001317185.2); c.251A>G, p.Glu84Gly (NM_001317186.2); short protein forms E739G, E223G, E678G, E84G.
Identifiers: ClinVar variation 463747 (VCV000463747.9), dbSNP rs1555517647, ClinGen allele CA396469638.

ClinVar aggregate classification (germline): Uncertain significance (1 of 4 stars; one submission).

Conditions:
Hereditary diffuse gastric adenocarcinoma (HDGC). Also called: DIFFUSE GASTRIC AND LOBULAR BREAST CANCER SYNDROME. Identifiers: Orphanet 26106, MedGen C1708349, MONDO:0007648, OMIM 137215.

Submission:

Labcorp Genetics (formerly Invitae), Labcorp
Classification: Uncertain significance for Hereditary diffuse gastric adenocarcinoma. Last evaluated: 2024-04-22. Review status: criteria provided, single submitter. Criteria: Invitae Variant Classification Sherloc (09022015). Collection method: clinical testing. Allele origin: germline.
Comment: This sequence change replaces glutamic acid, which is acidic and polar, with glycine, which is neutral and non-polar, at codon 739 of the CDH1 protein (p.Glu739Gly). This variant is not present in population databases (gnomAD no frequency). This variant has not been reported in the literature in individuals affected with CDH1-related conditions. ClinVar contains an entry for this variant (Variation ID: 463747). An algorithm developed to predict the effect of missense changes on protein structure and function (PolyPhen-2) suggests that this variant is likely to be disruptive. In summary, the available evidence is currently insufficient to determine the role of this variant in disease. Therefore, it has been classified as a Variant of Uncertain Significance.